The following is an entry in ClinVar:

ClinVar aggregate classification (germline): Uncertain significance (1 of 4 stars; one submission).

gnomAD v4.1: 133 of 1,614,024 alleles (0.0082%); highest among the groups gnomAD compares: Non-Finnish European, 0.011%; no homozygotes.

Submission:

Labcorp Genetics (formerly Invitae), Labcorp
Classification: Uncertain significance. Last evaluated: 2025-01-21. Review status: criteria provided, single submitter. Criteria: Invitae Variant Classification Sherloc (09022015). Collection method: clinical testing. Allele origin: germline.
Comment: This sequence change replaces proline, which is neutral and non-polar, with leucine, which is neutral and non-polar, at codon 1232 of the TTBK2 protein (p.Pro1232Leu). This variant is present in population databases (rs768071683, gnomAD 0.003%). This variant has not been reported in the literature in individuals affected with TTBK2-related conditions. An algorithm developed to predict the effect of missense changes on protein structure and function (PolyPhen-2) suggests that this variant is likely to be tolerated. In summary, the available evidence is currently insufficient to determine the role of this variant in disease. Therefore, it has been classified as a Variant of Uncertain Significance.

NM_173500.4(TTBK2):c.3695C>T (p.Pro1232Leu)

Gene: TTBK2 (tau tubulin kinase 2; minus strand). Cytogenetic location: 15q15.2.
Variant type: single nucleotide variant.
Coding change: c.3695C>T on transcript NM_173500.4 (MANE Select); coding-DNA position 3695, C replaced by T.
Protein change: p.Pro1232Leu; replaces proline 1232 with leucine.
Molecular consequence: missense variant.
Genome position (GRCh38, 1-based): chr15:42,745,835, G>A on the plus strand (C>T on the coding strand, the complement: TTBK2 is on the minus strand). VCF-style: chr15-42745835-G-A. GRCh37 (hg19) VCF-style: chr15-43038033-G-A.
Other names: short protein forms P1232L.
Identifiers: ClinVar variation 3606376 (VCV003606376.2).